The following is an entry in ClinVar:

NM_004076.5(CRYBB3):c.470+159G>A

Gene: CRYBB3 (crystallin beta B3; plus strand). Cytogenetic location: 22q11.23.
Variant type: single nucleotide variant.
Coding change: c.470+159G>A on transcript NM_004076.5 (MANE Select); 159 bases into the intron after coding-DNA position 470, G replaced by A.
Molecular consequence: intron variant.
Genome position (GRCh38, 1-based): chr22:25,205,521, G>A. VCF-style: chr22-25205521-G-A. GRCh37 (hg19) VCF-style: chr22-25601488-G-A.
Identifiers: ClinVar variation 1706841 (VCV001706841.2), dbSNP rs183249019, ClinGen allele CA322726005.

ClinVar aggregate classification (germline): Likely benign (1 of 4 stars; one submission).

Allele frequency attached by ClinVar (database versions not stated): gnomAD 0.00748; TOPMed 0.00824; 1000 Genomes Project 0.00899; 1000 Genomes Project 30x 0.00999.
gnomAD v4.1: 1,121 of 152,154 alleles (0.74%); highest among the groups gnomAD compares: African/African-American, 2.5%; 14 homozygotes.

Submission:

GeneDx
Classification: Likely benign. Last evaluated: 2020-08-14. Review status: criteria provided, single submitter. Criteria: GeneDx Variant Classification Process June 2021. Collection method: clinical testing. Allele origin: germline. Affected: yes.
Comment: See Variant Classification Assertion Criteria.